The following is an entry in ClinVar:

NM_005267.5(GJA8):c.839C>T (p.Pro280Leu)

Gene: GJA8 (gap junction protein alpha 8; plus strand). Cytogenetic location: 1q21.2.
Variant type: single nucleotide variant.
Coding change: c.839C>T on transcript NM_005267.5 (MANE Select); coding-DNA position 839, C replaced by T.
Protein change: p.Pro280Leu; replaces proline 280 with leucine.
Molecular consequence: missense variant.
Genome position (GRCh38, 1-based): chr1:147,908,794, C>T. VCF-style: chr1-147908794-C-T. GRCh37 (hg19) VCF-style: chr1-147380921-C-T.
Other names: short protein forms P280L.
Identifiers: ClinVar variation 663324 (VCV000663324.8), dbSNP rs1571177590, ClinGen allele CA342225934.
Genomic context (GRCh38, chr1:147,908,794, plus strand): 5'-TCCAGAAAGCCAAGGGCTATCAGCTCCTAGAAGAAGAGAAAATCGTTTCCCACTATTTCC[C>T]CTTGACCGAGGTTGGGATGGTGGAGACCAGCCCACTGCCTGCCAAGCCTTTCAATCAGTT-3'
Protein context (NP_005258.2, residues 270-290): EEEKIVSHYF[Pro280Leu]LTEVGMVETS

ClinVar aggregate classification (germline): Conflicting classifications of pathogenicity. Review status: criteria provided, conflicting classifications (1 of 4 stars). 2 submissions from 2 submitters: Likely pathogenic (1); Uncertain significance (1). Last evaluated 2025-09-29.

Conditions:
GJA8-related disorder. Also called: GJA8-related condition.
Cataract 1 multiple types. Also called: CATARACT 1, POSTERIOR SUBCAPSULAR, WITH MICROCORNEA; CATARACT 1, STELLATE NUCLEAR, WITH MICROCORNEA; CATARACT, DUFFY-LINKED; CATARACT 1, NUCLEAR PROGRESSIVE; CATARACT 1 WITH MICROCORNEA; CATARACT 1, MULTIPLE TYPES, WITH OR WITHOUT MICROCORNEA. Identifiers: Orphanet 1377, MedGen C1861828, MONDO:0007285, OMIM 116200.

Submissions (2):

PreventionGenetics, part of Exact Sciences
Classification: Likely pathogenic for GJA8-related condition. Last evaluated: 2025-09-29. Review status: criteria provided, single submitter. Criteria: ACMG Guidelines, 2015. Collection method: clinical testing. Allele origin: germline.
Comment: The GJA8 c.839C>T variant is predicted to result in the amino acid substitution p.Pro280Leu. To our knowledge, this variant has not been reported in the literature or in a large population database (gnomAD), indicating this variant is rare. At PreventionGenetics, this variant segregated in a family with autosomal dominant congenital cataracts (Internal Data). In addition, another variant impacting the same amino acid residue (p.Pro280Arg) has been documented in a family with pediatric cataract (Javadiyan et al. 2018. PubMed ID: 29770612). Based on this evidence, the c.839C>T (p.Pro280Leu) variant is interpreted as likely pathogenic.

Labcorp Genetics (formerly Invitae), Labcorp
Classification: Uncertain significance for Cataract 1 multiple types. Last evaluated: 2018-12-11. Review status: criteria provided, single submitter. Criteria: Invitae Variant Classification Sherloc (09022015). Collection method: clinical testing. Allele origin: germline.
Comment: In summary, the available evidence is currently insufficient to determine the role of this variant in disease. Therefore, it has been classified as a Variant of Uncertain Significance. Algorithms developed to predict the effect of missense changes on protein structure and function are either unavailable or do not agree on the potential impact of this missense change (SIFT: "Deleterious"; PolyPhen-2: "Probably Damaging"; Align-GVGD: "Class C0"). This variant has not been reported in the literature in individuals with GJA8-related disease. This variant is not present in population databases (ExAC no frequency). This sequence change replaces proline with leucine at codon 280 of the GJA8 protein (p.Pro280Leu). The proline residue is highly conserved and there is a moderate physicochemical difference between proline and leucine.